The following is an entry in ClinVar:

ClinVar aggregate classification (germline): Likely benign. Review status: criteria provided, multiple submitters, no conflicts (2 of 4 stars). 9 submissions from 9 submitters: Likely benign (8). 1 of the submissions does not count toward it. Last evaluated 2025-11-25.

Conditions:
Lynch syndrome 5 (LYNCH5). Also called: Colorectal cancer, hereditary nonpolyposis, type 5; Hereditary non-polyposis colorectal cancer, type 5. Identifiers: Orphanet 144, MedGen C1833477, MONDO:0013710, OMIM 614350. Disease mechanism: loss of function.
Hereditary nonpolyposis colorectal neoplasms. Identifiers: MedGen C0009405, MeSH D003123.
Familial cancer of breast. Also called: BREAST CANCER, FAMILIAL; Hereditary breast cancer; hereditary breast carcinoma. Identifiers: Orphanet 227535, MedGen C0346153, MONDO:0016419, OMIM 114480. Disease mechanism: loss of function.
Lynch syndrome. Identifiers: Orphanet 144, MedGen C4552100, MONDO:0005835. Disease mechanism: loss of function.
Hereditary cancer-predisposing syndrome. Also called: Tumor predisposition; Neoplastic Syndromes, Hereditary; Hereditary neoplastic syndrome; Hereditary Cancer Syndrome. Identifiers: Orphanet 140162, MedGen C0027672, MeSH D009386, MONDO:0015356.

Allele frequency attached by ClinVar (database versions not stated): TOPMed 0.00002; gnomAD 0.00003; gnomAD exomes 0.00005; ExAC 0.00007.
gnomAD v4.1: 36 of 1,607,496 alleles (0.0022%); highest among the groups gnomAD compares: Non-Finnish European, 0.0029%; no homozygotes.

Submissions (9):

Labcorp Genetics (formerly Invitae), Labcorp
Classification: Likely benign for Hereditary nonpolyposis colorectal neoplasms. Last evaluated: 2025-11-25. Review status: criteria provided, single submitter. Criteria: Invitae Variant Classification Sherloc (09022015). Collection method: clinical testing. Allele origin: germline.

Center for Genomic Medicine, Rigshospitalet, Copenhagen University Hospital
Classification: Likely benign. Last evaluated: 2025-03-04. Review status: criteria provided, single submitter. Criteria: ACMG Guidelines, 2015. Collection method: clinical testing. Allele origin: germline.

Blueprint Genetics
Classification: Likely benign. Last evaluated: 2024-11-26. Review status: criteria provided, single submitter. Criteria: ACMG Guidelines, 2015. Collection method: clinical testing. Allele origin: germline.

Department of Pathology and Laboratory Medicine, Sinai Health System
Classification: Likely benign for hereditary breast carcinoma. Last evaluated: 2024-09-24. Review status: criteria provided, single submitter. Criteria: ACMG Guidelines, 2015. Collection method: clinical testing. Allele origin: germline.

All of Us Research Program, National Institutes of Health
Classification: Likely benign for Lynch syndrome. Last evaluated: 2023-11-30. Review status: criteria provided, single submitter. Criteria: ACMG Guidelines, 2015. Collection method: clinical testing. Allele origin: germline. Inheritance: Autosomal dominant inheritance. Observed: 12 variant alleles, 12 heterozygotes.
Comment: This study involves interpretation of variants in research participants for the purpose of population health screening. Participant phenotype was not available at the time of variant classification. Additional details can be found in publication PMID: 35346344, PMCID: PMC8962531

Myriad Genetics, Inc.
Classification: Likely benign for Lynch syndrome 5. Last evaluated: 2023-03-27. Review status: criteria provided, single submitter. Criteria: Myriad Autosomal Dominant, Autosomal Recessive and X-Linked Classification Criteria (2023). Collection method: clinical testing. Allele origin: unknown.
Comment: This variant is considered likely benign. This variant is intronic and is not expected to impact mRNA splicing.

GeneDx
Classification: Likely benign. Last evaluated: 2021-02-28. Review status: criteria provided, single submitter. Criteria: GeneDx Variant Classification Process June 2021. Collection method: clinical testing. Allele origin: germline. Affected: yes.

Color Diagnostics, LLC DBA Color Health
Classification: Likely benign for Hereditary cancer-predisposing syndrome. Last evaluated: 2017-01-04. Review status: criteria provided, single submitter. Criteria: ACMG Guidelines, 2015. Collection method: clinical testing. Allele origin: germline.

Counsyl
Classification: Likely benign for Lynch syndrome 5. Last evaluated: 2018-03-02. Review status: no assertion criteria provided. Collection method: clinical testing. Allele origin: unknown. Not counted in ClinVar's aggregate classification.

NM_000179.3(MSH6):c.628-12C>T

Gene: MSH6 (mutS homolog 6; plus strand). Cytogenetic location: 2p16.3.
Variant type: single nucleotide variant.
Coding change: c.628-12C>T on transcript NM_000179.3 (MANE Select); 12 bases into the intron before coding-DNA position 628, C replaced by T.
Molecular consequence: intron variant.
Genome position (GRCh38, 1-based): chr2:47,798,599, C>T. VCF-style: chr2-47798599-C-T. GRCh37 (hg19) VCF-style: chr2-48025738-C-T.
Other names: c.-279-12C>T (NM_001281493.2); c.238-12C>T (NM_001281492.2); c.-275-16C>T (NM_001281494.2).
Identifiers: ClinVar variation 387121 (VCV000387121.19), dbSNP rs752105994, ClinGen allele CA073215.